The following is an entry in ClinVar:

NM_000059.4(BRCA2):c.476-2A>C

Gene: BRCA2 (BRCA2 DNA repair associated; plus strand). Cytogenetic location: 13q13.1.
Variant type: single nucleotide variant.
Coding change: c.476-2A>C on transcript NM_000059.4 (MANE Select); the canonical splice acceptor site of the intron before coding-DNA position 476, A replaced by C.
Molecular consequence: splice acceptor variant.
Genome position (GRCh38, 1-based): chr13:32,326,240, A>C. VCF-style: chr13-32326240-A-C. GRCh37 (hg19) VCF-style: chr13-32900377-A-C.
Other names: c.476-2A>C (NM_001406720.1, NM_001406719.1, NM_001406721.1); c.107-2A>C (NM_001406722.1).
Identifiers: ClinVar variation 267646 (VCV000267646.11), dbSNP rs81002853, ClinGen allele CA10602520.

ClinVar aggregate classification (germline): Pathogenic. Review status: criteria provided, multiple submitters, no conflicts (2 of 4 stars). 2 submissions from 2 submitters: Pathogenic (2). Last evaluated 2022-11-15.

Conditions:
Breast-ovarian cancer, familial, susceptibility to, 2 (BROVCA2). Also called: BRCA2 Hereditary Breast and Ovarian Cancer. Identifiers: Orphanet 145, MedGen C2675520, MONDO:0012933, OMIM 612555. Disease mechanism: loss of function.
Hereditary breast ovarian cancer syndrome. Also called: BRCA1- and BRCA2-Associated Hereditary Breast and Ovarian Cancer; Hereditary breast and ovarian cancer; Breast and ovarian cancer; Hereditary breast and/or ovarian cancer syndrome; Hereditary breast and ovarian cancer syndrome; Hereditary breast and ovarian cancer syndrome (HBOC). Identifiers: Orphanet 145, MedGen C0677776, MeSH D061325, MONDO:0003582. Disease mechanism: loss of function.

Submissions (2):

Labcorp Genetics (formerly Invitae), Labcorp
Classification: Pathogenic for Hereditary breast ovarian cancer syndrome. Last evaluated: 2022-11-15. Review status: criteria provided, single submitter. Criteria: Invitae Variant Classification Sherloc (09022015). Collection method: clinical testing. Allele origin: germline.
Comment: Studies have shown that disruption of this splice site alters mRNA splicing and is expected to lead to the loss of protein expression (PMID: 23451180, 30883759, 32398771). For these reasons, this variant has been classified as Pathogenic. Based on a multifactorial likelihood algorithm using genetic, in silico, and/or statistical data, this variant has been determined to have a high probability of being pathogenic (PMID: 17924331, 21990134). ClinVar contains an entry for this variant (Variation ID: 267646). Disruption of this splice site has been observed in individual(s) with a personal or family history of breast and/or ovarian cancer (PMID: 29446198). This variant is not present in population databases (gnomAD no frequency). This sequence change affects an acceptor splice site in intron 5 of the BRCA2 gene. It is expected to disrupt RNA splicing. Variants that disrupt the donor or acceptor splice site typically lead to a loss of protein function (PMID: 16199547), and loss-of-function variants in BRCA2 are known to be pathogenic (PMID: 20104584).

Consortium of Investigators of Modifiers of BRCA1/2 (CIMBA), c/o University of Cambridge
Classification: Pathogenic for Breast-ovarian cancer, familial, susceptibility to, 2. Last evaluated: 2015-10-02. Review status: criteria provided, single submitter. Criteria: CIMBA Mutation Classification guidelines May 2016. Collection method: clinical testing. Allele origin: germline.

Literature cited by the submitters: PubMed 23451180 (cited by Labcorp Genetics (formerly Invitae), Labcorp); PubMed 30883759 (cited by Labcorp Genetics (formerly Invitae), Labcorp); PubMed 32398771 (cited by Labcorp Genetics (formerly Invitae), Labcorp); PubMed 17924331 (cited by Labcorp Genetics (formerly Invitae), Labcorp); PubMed 21990134 (cited by Labcorp Genetics (formerly Invitae), Labcorp); PubMed 29446198 (cited by Labcorp Genetics (formerly Invitae), Labcorp); PubMed 16199547 (cited by Labcorp Genetics (formerly Invitae), Labcorp); PubMed 20104584 (cited by Labcorp Genetics (formerly Invitae), Labcorp).